The following is an entry in ClinVar:

ClinVar aggregate classification (germline): Benign. Review status: criteria provided, multiple submitters, no conflicts (2 of 4 stars). 3 submissions from 3 submitters: Benign (3). Last evaluated 2026-04-01.

Allele frequency attached by ClinVar (database versions not stated): ESP Exome Variant Server 0.00177; gnomAD 0.00364; 1000 Genomes Project 30x 0.00906; 1000 Genomes Project 0.00919.
gnomAD v4.1: 3,421 of 1,612,422 alleles (0.21%); highest among the groups gnomAD compares: South Asian, 1.1%; 54 homozygotes.

Submissions (3):

CeGaT Center for Human Genetics Tuebingen
Classification: Benign. Last evaluated: 2026-04-01. Review status: criteria provided, single submitter. Criteria: CeGaT Center For Human Genetics Tuebingen Variant Classification Criteria Version 2. Collection method: clinical testing. Allele origin: germline. Affected: yes. Observed: 2 variant alleles.
Comment: STRC: BP4, BP7, BS1, BS2

Laboratory for Molecular Medicine, Mass General Brigham Personalized Medicine
Classification: Benign. Last evaluated: 2013-10-11. Review status: criteria provided, single submitter. Criteria: LMM Criteria. Collection method: clinical testing. Allele origin: germline. Observed: 9 variant alleles.
Comment: Leu1621Leu in Exon 26 of STRC: This variant is not expected to have clinical sig nificance because it has been observed in 0.5% (23/4410) of African American chr omosomes by the NHLBI Exome Sequencing Project, it does not alter an amino acid residue, and it is not located within the splice consensus sequence (.; dbSNP rs139683375).

Breakthrough Genomics
Classification: Benign. Review status: criteria provided, single submitter. Criteria: ACMG Guidelines, 2015. Collection method: not provided. Allele origin: germline. Inheritance: Autosomal recessive inheritance. Affected: yes.

NM_153700.2(STRC):c.4863C>G (p.Leu1621=)

Gene: STRC (stereocilin; minus strand). Cytogenetic location: 15q15.3.
Variant type: single nucleotide variant.
Coding change: c.4863C>G on transcript NM_153700.2 (MANE Select); coding-DNA position 4863, C replaced by G.
Protein change: p.Leu1621=; no amino-acid change (leucine 1621 retained).
Molecular consequence: synonymous variant.
Genome position (GRCh38, 1-based): chr15:43,600,664, G>C on the plus strand (C>G on the coding strand, the complement: STRC is on the minus strand). VCF-style: chr15-43600664-G-C. GRCh37 (hg19) VCF-style: chr15-43892862-G-C.
Identifiers: ClinVar variation 165299 (VCV000165299.31), dbSNP rs139683375, ClinGen allele CA178034.
Genomic context (GRCh38, chr15:43,600,664, plus strand): 5'-TACAAGTAGGTGGGCCAGAACCTCCAGTTGTTCCTCAGAGCACTGGAGATGCAGGGTGCC[G>C]AGGAAGAGAGCTGCTTGGCTGTAGAACAGTAGGAAGGAAGGAAGAAGAATTCGGCTTCAG-3'
Protein context (NP_714544.1, residues 1611-1631): SWEFSQAALF[Leu1621=]GTLHLQCSEE